The following is an entry in ClinVar:

NM_002439.5(MSH3):c.2881G>A (p.Glu961Lys)

Gene: MSH3 (mutS homolog 3; plus strand). Cytogenetic location: 5q14.1.
Variant type: single nucleotide variant.
Coding change: c.2881G>A on transcript NM_002439.5 (MANE Select); coding-DNA position 2881, G replaced by A.
Protein change: p.Glu961Lys; replaces glutamic acid 961 with lysine.
Molecular consequence: missense variant.
Genome position (GRCh38, 1-based): chr5:80,854,197, G>A. VCF-style: chr5-80854197-G-A. GRCh37 (hg19) VCF-style: chr5-80150016-G-A.
Other names: short protein forms E961K.
Identifiers: ClinVar variation 4111088 (VCV004111088.1).

ClinVar aggregate classification (germline): Uncertain significance (1 of 4 stars; one submission).

Conditions:
Hereditary cancer-predisposing syndrome. Also called: Tumor predisposition; Neoplastic Syndromes, Hereditary; Hereditary neoplastic syndrome; Hereditary Cancer Syndrome. Identifiers: Orphanet 140162, MedGen C0027672, MeSH D009386, MONDO:0015356.

gnomAD v4.1: 1 of 1,613,828 alleles (0.000062%); highest among the groups gnomAD compares: Non-Finnish European, 0.000085%; no homozygotes.

Submission:

Ambry Genetics
Classification: Uncertain significance for Hereditary cancer-predisposing syndrome. Last evaluated: 2025-06-28. Review status: criteria provided, single submitter. Criteria: Ambry Variant Classification Scheme 2023. Collection method: clinical testing. Allele origin: germline.
Comment: The p.E961K variant (also known as c.2881G>A), located in coding exon 21 of the MSH3 gene, results from a G to A substitution at nucleotide position 2881. The glutamic acid at codon 961 is replaced by lysine, an amino acid with similar properties. This amino acid position is conserved. In addition, the in silico prediction for this alteration is inconclusive. Based on the available evidence, the clinical significance of this variant remains unclear.